The following is an entry in ClinVar:

NM_015192.4(PLCB1):c.3525A>C (p.Glu1175Asp)

Gene: PLCB1 (phospholipase C beta 1; plus strand). Cytogenetic location: 20p12.3.
Variant type: single nucleotide variant.
Coding change: c.3525A>C on transcript NM_015192.4 (MANE Select); coding-DNA position 3525, A replaced by C.
Protein change: p.Glu1175Asp; replaces glutamic acid 1175 with aspartic acid.
Molecular consequence: missense variant. On other transcripts: 3 prime UTR variant (1).
Genome position (GRCh38, 1-based): chr20:8,881,723, A>C. VCF-style: chr20-8881723-A-C. GRCh37 (hg19) VCF-style: chr20-8862370-A-C.
Other names: c.*121A>C (NM_182734.3); short protein forms E1175D.
Identifiers: ClinVar variation 859829 (VCV000859829.12), dbSNP rs1455824326, ClinGen allele CA408263424.

ClinVar aggregate classification (germline): Uncertain significance. Review status: criteria provided, multiple submitters, no conflicts (2 of 4 stars). 2 submissions from 2 submitters: Uncertain significance (2). Last evaluated 2022-01-07.

Conditions:
Developmental and epileptic encephalopathy, 12 (DEE12). Identifiers: MedGen C3150988, MONDO:0013389, OMIM 613722.

Allele frequency attached by ClinVar (database versions not stated): gnomAD exomes below 0.00001.
gnomAD v4.1: 1 of 1,614,030 alleles (0.000062%); highest among the groups gnomAD compares: South Asian, 0.0011%; no homozygotes.

Submissions (2):

New York Genome Center
Classification: Uncertain significance for Developmental and epileptic encephalopathy, 12. Last evaluated: 2022-01-07. Review status: criteria provided, single submitter. Criteria: NYGC Assertion Criteria 2020. Collection method: clinical testing. Allele origin: germline. Observed: 1 heterozygote. Study: CSER-NYCKidSeq.

Labcorp Genetics (formerly Invitae), Labcorp
Classification: Uncertain significance for Developmental and epileptic encephalopathy, 12. Last evaluated: 2019-04-17. Review status: criteria provided, single submitter. Criteria: Invitae Variant Classification Sherloc (09022015). Collection method: clinical testing. Allele origin: germline.
Comment: This sequence change replaces glutamic acid with aspartic acid at codon 1175 of the PLCB1 protein (p.Glu1175Asp). The glutamic acid residue is moderately conserved and there is a small physicochemical difference between glutamic acid and aspartic acid. This variant is not present in population databases (ExAC no frequency). This variant has not been reported in the literature in individuals with PLCB1-related conditions. Algorithms developed to predict the effect of missense changes on protein structure and function (SIFT, PolyPhen-2, Align-GVGD) all suggest that this variant is likely to be tolerated, but these predictions have not been confirmed by published functional studies and their clinical significance is uncertain. In summary, the available evidence is currently insufficient to determine the role of this variant in disease. Therefore, it has been classified as a Variant of Uncertain Significance.